The following is an entry in ClinVar:

ClinVar aggregate classification (germline): Uncertain significance (1 of 4 stars; one submission).

Submission:

GeneDx
Classification: Uncertain significance. Last evaluated: 2024-12-31. Review status: criteria provided, single submitter. Criteria: GeneDx Variant Classification Process June 2021. Collection method: clinical testing. Allele origin: germline. Affected: yes.
Comment: Not observed at significant frequency in large population cohorts (gnomAD); In silico analysis indicates that this missense variant does not alter protein structure/function; Has not been previously published as pathogenic or benign to our knowledge

NM_001258392.3(CLPB):c.2024A>T (p.Asn675Ile)

Gene: CLPB (ClpB family mitochondrial disaggregase; minus strand). Cytogenetic location: 11q13.4.
Variant type: single nucleotide variant.
Coding change: c.2024A>T on transcript NM_001258392.3 (MANE Select); coding-DNA position 2024, A replaced by T.
Protein change: p.Asn675Ile; replaces asparagine 675 with isoleucine.
Molecular consequence: missense variant.
Genome position (GRCh38, 1-based): chr11:72,293,377, T>A on the plus strand (A>T on the coding strand, the complement: CLPB is on the minus strand). VCF-style: chr11-72293377-T-A. GRCh37 (hg19) VCF-style: chr11-72004421-T-A.
Other names: c.1937A>T, p.Asn646Ile (NM_001258393.3); c.1979A>T, p.Asn660Ile (NM_001258394.3); c.2114A>T, p.Asn705Ile (NM_030813.6); short protein forms N646I, N660I, N675I, N705I.
Identifiers: ClinVar variation 3907729 (VCV003907729.1).